The following is an entry in ClinVar:

NM_005228.5(EGFR):c.2710G>A (p.Val904Ile)

Gene: EGFR (epidermal growth factor receptor; plus strand). Cytogenetic location: 7p11.2.
Variant type: single nucleotide variant.
Coding change: c.2710G>A on transcript NM_005228.5 (MANE Select); coding-DNA position 2710, G replaced by A.
Protein change: p.Val904Ile; replaces valine 904 with isoleucine.
Molecular consequence: missense variant.
Genome position (GRCh38, 1-based): chr7:55,198,725, G>A. VCF-style: chr7-55198725-G-A. GRCh37 (hg19) VCF-style: chr7-55266418-G-A.
Other names: c.2710G>A (NM_005228.3, NM_005228.4); c.2575G>A, p.Val859Ile (NM_001346897.2, NM_001346899.2); c.2710G>A, p.Val904Ile (NM_001346898.2); c.2551G>A, p.Val851Ile (NM_001346900.2); c.1909G>A, p.Val637Ile (NM_001346941.2); short protein forms V859I, V637I, V851I, V904I.
Identifiers: ClinVar variation 760724 (VCV000760724.13), dbSNP rs538497054, ClinGen allele CA4266169.

ClinVar aggregate classification (germline): Benign/Likely benign. Review status: criteria provided, multiple submitters, no conflicts (2 of 4 stars). 6 submissions from 6 submitters: Benign (2); Likely benign (4). Last evaluated 2026-05-10.

Conditions:
Hereditary cancer-predisposing syndrome. Also called: Hereditary neoplastic syndrome; Neoplastic Syndromes, Hereditary; Hereditary Cancer Syndrome; Tumor predisposition. Identifiers: Orphanet 140162, MedGen C0027672, MeSH D009386, MONDO:0015356.
EGFR-related disorder. Also called: EGFR-related condition.
EGFR-related lung cancer (EGFR). Identifiers: MedGen CN130014.

Allele frequency attached by ClinVar (database versions not stated): gnomAD 0.00004 and 0.00009; TOPMed 0.00006; gnomAD exomes 0.00020 and 0.00041; ExAC 0.00037; 1000 Genomes Project 30x 0.00047; 1000 Genomes Project 0.00060.
gnomAD v4.1: 309 of 1,614,212 alleles (0.019%); highest among the groups gnomAD compares: South Asian, 0.26%; 2 homozygotes.

Submissions (6):

PreventionGenetics, part of Exact Sciences
Classification: Likely benign for EGFR-related condition. Last evaluated: 2026-05-10. Review status: criteria provided, single submitter. Criteria: ACMG Guidelines, 2015. Collection method: clinical testing. Allele origin: germline.
Comment: This variant is classified as likely benign based on ACMG/AMP sequence variant interpretation guidelines (Richards et al. 2015 PMID: 25741868, with internal and published modifications).

Ambry Genetics
Classification: Benign for Hereditary cancer-predisposing syndrome. Last evaluated: 2024-10-28. Review status: criteria provided, single submitter. Criteria: Ambry Variant Classification Scheme 2023. Collection method: clinical testing. Allele origin: germline.

Blueprint Genetics
Classification: Likely benign. Last evaluated: 2024-10-23. Review status: criteria provided, single submitter. Criteria: ACMG Guidelines, 2015. Collection method: clinical testing. Allele origin: germline.

Mendelics
Classification: Benign. Last evaluated: 2022-05-04. Review status: criteria provided, single submitter. Criteria: Mendelics Assertion Criteria 2019. Collection method: clinical testing. Allele origin: germline.

Labcorp Genetics (formerly Invitae), Labcorp
Classification: Likely benign for EGFR-related lung cancer. Last evaluated: 2020-12-09. Review status: criteria provided, single submitter. Criteria: Invitae Variant Classification Sherloc (09022015). Collection method: clinical testing. Allele origin: germline.

Breakthrough Genomics
Classification: Likely benign. Review status: criteria provided, single submitter. Criteria: ACMG Guidelines, 2015. Collection method: not provided. Allele origin: germline. Inheritance: Autosomal recessive inheritance. Affected: yes.